The following is an entry in ClinVar:

ClinVar aggregate classification (germline): Pathogenic/Likely pathogenic. Review status: criteria provided, multiple submitters, no conflicts (2 of 4 stars). 2 submissions from 2 submitters: Pathogenic (1); Likely pathogenic (1). Last evaluated 2025-05-29.

Conditions:
Primary hyperoxaluria, type II (HP2). Also called: D-GLYCERATE DEHYDROGENASE DEFICIENCY; GLYCERIC ACIDURIA; GLYOXYLATE REDUCTASE/HYDROXYPYRUVATE REDUCTASE DEFICIENCY; OXALOSIS II; Primary hyperoxaluria type 2. Identifiers: Orphanet 416, Orphanet 93599, MedGen C0268165, MONDO:0009824, OMIM 260000. Disease mechanism: loss of function.

Submissions (2):

Natera, Inc.
Classification: Likely pathogenic for Primary hyperoxaluria type II. Last evaluated: 2025-05-29. Review status: criteria provided, single submitter. Criteria: Natera Variant Classification Schema (03/2026). Collection method: clinical testing. Allele origin: germline.
Comment: The c.622C>T variant in GRHPR is a nonsense variant predicted to introduce a stop codon at amino acid 208. This variant is expected to result in nonsense mediated decay, truncation, or a dysfunctional protein product. This variant is rare in the general population with a frequency below the threshold expected for the associated phenotype(s). Given the available evidence, this variant is classified as Likely Pathogenic.

Labcorp Genetics (formerly Invitae), Labcorp
Classification: Pathogenic. Last evaluated: 2023-04-06. Review status: criteria provided, single submitter. Criteria: Invitae Variant Classification Sherloc (09022015). Collection method: clinical testing. Allele origin: germline.
Comment: This sequence change creates a premature translational stop signal (p.Gln208*) in the GRHPR gene. It is expected to result in an absent or disrupted protein product. Loss-of-function variants in GRHPR are known to be pathogenic (PMID: 25644115). This variant is not present in population databases (gnomAD no frequency). This variant has not been reported in the literature in individuals affected with GRHPR-related conditions. For these reasons, this variant has been classified as Pathogenic.

Literature cited by the submitters: PubMed 25644115 (cited by Labcorp Genetics (formerly Invitae), Labcorp).

NM_012203.2(GRHPR):c.622C>T (p.Gln208Ter)

Gene: GRHPR (glyoxylate and hydroxypyruvate reductase; plus strand). Cytogenetic location: 9p13.2.
Variant type: single nucleotide variant.
Coding change: c.622C>T on transcript NM_012203.2 (MANE Select); coding-DNA position 622, C replaced by T.
Protein change: p.Gln208Ter; replaces glutamine 208 with a stop codon.
Molecular consequence: nonsense.
Genome position (GRCh38, 1-based): chr9:37,430,534, C>T. VCF-style: chr9-37430534-C-T. GRCh37 (hg19) VCF-style: chr9-37430531-C-T.
Other names: c.622C>T (NM_012203.1); short protein forms Q208*.
Identifiers: ClinVar variation 2852344 (VCV002852344.5), dbSNP rs2489245051, ClinGen allele CA373443720.